The following is an entry in ClinVar:

ClinVar aggregate classification (germline): Uncertain significance (1 of 4 stars; one submission).

Conditions:
Hereditary cancer-predisposing syndrome. Also called: Neoplastic Syndromes, Hereditary; Tumor predisposition; Hereditary Cancer Syndrome; Hereditary neoplastic syndrome. Identifiers: Orphanet 140162, MedGen C0027672, MeSH D009386, MONDO:0015356.

Submission:

Ambry Genetics
Classification: Uncertain significance for Hereditary cancer-predisposing syndrome. Last evaluated: 2022-02-26. Review status: criteria provided, single submitter. Criteria: Ambry Variant Classification Scheme 2023. Collection method: clinical testing. Allele origin: germline.
Comment: The p.I267L variant (also known as c.799A>C), located in coding exon 6 of the STK11 gene, results from an A to C substitution at nucleotide position 799. The isoleucine at codon 267 is replaced by leucine, an amino acid with highly similar properties. This amino acid position is conserved. In addition, the in silico prediction for this alteration is inconclusive. Since supporting evidence is limited at this time, the clinical significance of this alteration remains unclear.

NM_000455.5(STK11):c.799A>C (p.Ile267Leu)

Gene: STK11 (serine/threonine kinase 11; plus strand). Cytogenetic location: 19p13.3.
Variant type: single nucleotide variant.
Coding change: c.799A>C on transcript NM_000455.5 (MANE Select); coding-DNA position 799, A replaced by C.
Protein change: p.Ile267Leu; replaces isoleucine 267 with leucine.
Molecular consequence: missense variant.
Genome position (GRCh38, 1-based): chr19:1,221,277, A>C. VCF-style: chr19-1221277-A-C. GRCh37 (hg19) VCF-style: chr19-1221276-A-C.
Other names: c.799A>C, p.Ile267Leu (NM_001407255.1); short protein forms I267L.
Identifiers: ClinVar variation 1761535 (VCV001761535.2), dbSNP rs1568709259, ClinGen allele CA402950550.